The following is an entry in ClinVar:

ClinVar aggregate classification (germline): Uncertain significance (1 of 4 stars; one submission).

gnomAD v4.1: 5 of 1,613,366 alleles (0.00031%); highest among the groups gnomAD compares: East Asian, 0.011%; no homozygotes.

Submission:

Labcorp Genetics (formerly Invitae), Labcorp
Classification: Uncertain significance. Last evaluated: 2024-04-18. Review status: criteria provided, single submitter. Criteria: Invitae Variant Classification Sherloc (09022015). Collection method: clinical testing. Allele origin: germline.
Comment: This sequence change replaces leucine, which is neutral and non-polar, with phenylalanine, which is neutral and non-polar, at codon 833 of the ANKRD26 protein (p.Leu833Phe). The frequency data for this variant in the population databases is considered unreliable, as metrics indicate poor data quality at this position in the gnomAD database. This variant has not been reported in the literature in individuals affected with ANKRD26-related conditions. An algorithm developed to predict the effect of missense changes on protein structure and function (PolyPhen-2) suggests that this variant is likely to be tolerated. In summary, the available evidence is currently insufficient to determine the role of this variant in disease. Therefore, it has been classified as a Variant of Uncertain Significance.

NM_014915.3(ANKRD26):c.2497C>T (p.Leu833Phe)

Gene: ANKRD26 (ankyrin repeat domain 26; minus strand). Cytogenetic location: 10p12.1.
Variant type: single nucleotide variant.
Coding change: c.2497C>T on transcript NM_014915.3 (MANE Select); coding-DNA position 2497, C replaced by T.
Protein change: p.Leu833Phe; replaces leucine 833 with phenylalanine.
Molecular consequence: missense variant.
Genome position (GRCh38, 1-based): chr10:27,037,933, G>A on the plus strand (C>T on the coding strand, the complement: ANKRD26 is on the minus strand). VCF-style: chr10-27037933-G-A. GRCh37 (hg19) VCF-style: chr10-27326862-G-A.
Other names: c.2494C>T, p.Leu832Phe (NM_001256053.2); short protein forms L832F, L833F.
Identifiers: ClinVar variation 3625914 (VCV003625914.2).
Genomic context (GRCh38, chr10:27,037,933, plus strand): 5'-GATTCAAATTACTTTTTACAGTCCTCAATTCCATCTCCAGTGTTTGGAGACTCAGTTCAA[G>A]CTGTTGTTTCACTTCAACTTCTTTCCTATATTGCTCTTCTTTTCTTCTTAACTGTTCCCT-3'
Protein context (NP_055730.2, residues 823-843): YRKEVEVKQQ[Leu833Phe]ELSLQTLEME